The following is an entry in ClinVar:

ClinVar aggregate classification (germline): Conflicting classifications of pathogenicity. Review status: criteria provided, conflicting classifications (1 of 4 stars). 3 submissions from 3 submitters: Pathogenic (2); Uncertain significance (1). Last evaluated 2025-02-12.

Conditions:
Diarrhea 12, with microvillus atrophy. Also called: MICROVILLUS INCLUSION DISEASE 2. Identifiers: MedGen C5561942, MONDO:0030335, OMIM 619445.

Allele frequency attached by ClinVar (database versions not stated): ExAC 0.00002; TOPMed 0.00002.
gnomAD v4.1: 18 of 1,613,968 alleles (0.0011%); highest among the groups gnomAD compares: Admixed American, 0.0033%; no homozygotes.

Submissions (3):

3billion
Classification: Pathogenic for Diarrhea 12, with microvillus atrophy. Last evaluated: 2025-02-12. Review status: criteria provided, single submitter. Criteria: ACMG Guidelines, 2015. Collection method: clinical testing. Allele origin: germline. Affected: yes.
Comment: The variant is observed at an extremely low frequency in the gnomAD v4.1.0 dataset (total allele frequency: 0.001%). Predicted Consequence/Location: Stop-gained (nonsense): predicted to result in a loss or disruption of normal protein function through nonsense-mediated decay (NMD) or protein truncation. Multiple pathogenic variants are reported downstream of the variant. Therefore, this variant is classified as Pathogenic according to the recommendation of ACMG/AMP guideline.

Labcorp Genetics (formerly Invitae), Labcorp
Classification: Pathogenic. Last evaluated: 2022-06-03. Review status: criteria provided, single submitter. Criteria: Invitae Variant Classification Sherloc (09022015). Collection method: clinical testing. Allele origin: germline.
Comment: ClinVar contains an entry for this variant (Variation ID: 915320). For these reasons, this variant has been classified as Pathogenic. This variant has not been reported in the literature in individuals affected with STX3-related conditions. This sequence change creates a premature translational stop signal (p.Arg197*) in the STX3 gene. It is expected to result in an absent or disrupted protein product. Loss-of-function variants in STX3 are known to be pathogenic (PMID: 24726755). This variant is present in population databases (rs746797808, gnomAD 0.008%).

Genomic Research Center, Shahid Beheshti University of Medical Sciences
Classification: Uncertain significance. Last evaluated: 2020-05-03. Review status: criteria provided, single submitter. Criteria: ACMG Guidelines, 2015. Collection method: clinical testing. Allele origin: unknown. Affected: yes.

Literature cited by the submitters: PubMed 24726755 (cited by Labcorp Genetics (formerly Invitae), Labcorp).

NM_004177.5(STX3):c.589C>T (p.Arg197Ter)

Gene: STX3 (syntaxin 3; plus strand). Cytogenetic location: 11q12.1.
Variant type: single nucleotide variant.
Coding change: c.589C>T on transcript NM_004177.5 (MANE Select); coding-DNA position 589, C replaced by T.
Protein change: p.Arg197Ter; replaces arginine 197 with a stop codon.
Molecular consequence: nonsense.
Genome position (GRCh38, 1-based): chr11:59,793,428, C>T. VCF-style: chr11-59793428-C-T. GRCh37 (hg19) VCF-style: chr11-59560901-C-T.
Other names: c.589C>T, p.Arg197Ter (NM_001178040.3); short protein forms R197*.
Identifiers: ClinVar variation 915320 (VCV000915320.11), dbSNP rs746797808, ClinGen allele CA6020938.